The following is an entry in ClinVar:

ClinVar aggregate classification (germline): Uncertain significance. Review status: criteria provided, single submitter (1 of 4 stars). 2 submissions from 2 submitters: Uncertain significance (1). 1 of the submissions does not count toward it. Last evaluated 2024-11-05.

Conditions:
MYO18B-related disorder. Also called: MYO18B-related condition.

Submissions (2):

Labcorp Genetics (formerly Invitae), Labcorp
Classification: Uncertain significance. Last evaluated: 2024-11-05. Review status: criteria provided, single submitter. Criteria: Invitae Variant Classification Sherloc (09022015). Collection method: clinical testing. Allele origin: germline.
Comment: This sequence change affects codon 1788 of the MYO18B mRNA. It is a 'silent' change, meaning that it does not change the encoded amino acid sequence of the MYO18B protein. This variant also falls at the last nucleotide of exon 33, which is part of the consensus splice site for this exon. This variant is not present in population databases (gnomAD no frequency). This variant has not been reported in the literature in individuals affected with MYO18B-related conditions. ClinVar contains an entry for this variant (Variation ID: 1368876). Variants that disrupt the consensus splice site are a relatively common cause of aberrant splicing (PMID: 17576681, 9536098). Algorithms developed to predict the effect of sequence changes on RNA splicing suggest that this variant is not likely to affect RNA splicing. In summary, the available evidence is currently insufficient to determine the role of this variant in disease. Therefore, it has been classified as a Variant of Uncertain Significance.

PreventionGenetics, part of Exact Sciences
Classification: Likely benign for MYO18B-related condition. Last evaluated: 2023-03-22. Review status: no assertion criteria provided. Collection method: clinical testing. Allele origin: germline. Not counted in ClinVar's aggregate classification.
Comment: This variant is classified as likely benign based on ACMG/AMP sequence variant interpretation guidelines (Richards et al. 2015 PMID: 25741868, with internal and published modifications).

Literature cited by the submitters: PubMed 17576681 (cited by Labcorp Genetics (formerly Invitae), Labcorp); PubMed 9536098 (cited by Labcorp Genetics (formerly Invitae), Labcorp).

NM_032608.7(MYO18B):c.5364G>A (p.Gln1788=)

Gene: MYO18B (myosin XVIIIB; plus strand). Cytogenetic location: 22q12.1.
Variant type: single nucleotide variant.
Coding change: c.5364G>A on transcript NM_032608.7 (MANE Select); coding-DNA position 5364, G replaced by A.
Protein change: p.Gln1788=; no amino-acid change (glutamine 1788 retained).
Molecular consequence: synonymous variant.
Genome position (GRCh38, 1-based): chr22:25,911,050, G>A. VCF-style: chr22-25911050-G-A. GRCh37 (hg19) VCF-style: chr22-26307017-G-A.
Other names: c.5367G>A, p.Gln1789= (NM_001318245.2); c.5364G>A (NM_032608.6).
Identifiers: ClinVar variation 1368876 (VCV001368876.8), dbSNP rs2146387686, ClinGen allele CA513904310.
Genomic context (GRCh38, chr22:25,911,050, plus strand): 5'-GCAGATGGTCCTCCATGAGAAGCAAGATTTGGAAGGCTTGATCGGAACCCTCTGTGACCA[G>A]GTAAGGGGGAGACATTGGCAGACATTCAGAGGAGTATCTCAGGGACCTATTTGAGAGATG-3'
Protein context (NP_115997.5, residues 1778-1798): LEGLIGTLCD[Gln1788=]IGHRDFDVEK